The following is an entry in ClinVar:

ClinVar aggregate classification (germline): Uncertain significance (1 of 4 stars; one submission).

Allele frequency attached by ClinVar (database versions not stated): ExAC 0.00001; gnomAD 0.00001; TOPMed 0.00002.
gnomAD v4.1: 5 of 1,588,508 alleles (0.00031%); highest among the groups gnomAD compares: African/African-American, 0.0027%; no homozygotes.

Submissions (2):

Labcorp Genetics (formerly Invitae), Labcorp
Classification: Uncertain significance. Last evaluated: 2025-05-27. Review status: criteria provided, single submitter. Criteria: Invitae Variant Classification Sherloc (09022015). Collection method: clinical testing. Allele origin: germline.
Comment: This sequence change replaces threonine, which is neutral and polar, with isoleucine, which is neutral and non-polar, at codon 92 of the GUF1 protein (p.Thr92Ile). The frequency data for this variant in the population databases is considered unreliable, as metrics indicate poor data quality at this position in the gnomAD database. This variant has not been reported in the literature in individuals affected with GUF1-related conditions. ClinVar contains an entry for this variant (Variation ID: 1985954). An algorithm developed to predict the effect of missense changes on protein structure and function (PolyPhen-2) suggests that this variant is likely to be disruptive. Algorithms developed to predict the effect of sequence changes on RNA splicing suggest that this variant may disrupt the consensus splice site. In summary, the available evidence is currently insufficient to determine the role of this variant in disease. Therefore, it has been classified as a Variant of Uncertain Significance.

Dr. Peter K. Rogan Lab, Western University
No classification provided (evidence only). Condition: Thyroid cancer, nonmedullary, 1. Review status: no classification provided. Collection method: in vitro. Allele origin: not applicable. Functional consequence: skipped exon, retained intron. Not counted in ClinVar's aggregate classification.

NM_021927.3(GUF1):c.275C>T (p.Thr92Ile)

Gene: GUF1 (GTP binding elongation factor GUF1; plus strand). Cytogenetic location: 4p12.
Variant type: single nucleotide variant.
Coding change: c.275C>T on transcript NM_021927.3 (MANE Select); coding-DNA position 275, C replaced by T.
Protein change: p.Thr92Ile; replaces threonine 92 with isoleucine.
Molecular consequence: missense variant. On other transcripts: 5 prime UTR variant (1), intron variant (1).
Genome position (GRCh38, 1-based): chr4:44,680,550, C>T. VCF-style: chr4-44680550-C-T. GRCh37 (hg19) VCF-style: chr4-44682567-C-T.
Other names: c.-694C>T (NM_001345867.2); c.275C>T, p.Thr92Ile (NM_001345868.2); c.-695-144C>T (NM_001345869.2); short protein forms T92I.
Identifiers: ClinVar variation 1985954 (VCV001985954.5), dbSNP rs749713534, ClinGen allele CA2905230.
Genomic context (GRCh38, chr4:44,680,550, plus strand): 5'-GTATTGTTGCACACGTGGATCATGGCAAAAGTACTTTAGCTGACAGGCTCCTAGAACTTA[C>T]AGGTATTTCATTTATGTTACATACTTAACTGATGGCTGCGAGTTATTGGGAATTACTTTT-3'
Protein context (NP_068746.2, residues 82-102): STLADRLLEL[Thr92Ile]GTIDKTKNNK